The following is an entry in ClinVar:

ClinVar aggregate classification (germline): Benign. Review status: criteria provided, multiple submitters, no conflicts (2 of 4 stars). 3 submissions from 3 submitters: Benign (3). Last evaluated 2024-07-15.

Allele frequency attached by ClinVar (database versions not stated): ESP Exome Variant Server 0.63957; TOPMed 0.65921; gnomAD 0.66184 and 0.66715; 1000 Genomes Project 30x 0.70128; 1000 Genomes Project 0.70907.
gnomAD v4.1: 1,040,739 of 1,507,836 alleles (69%); highest among the groups gnomAD compares: East Asian, 89%; 361,837 homozygotes.

Submissions (3):

Unidad de Genómica Garrahan, Hospital de Pediatría Garrahan
Classification: Benign. Last evaluated: 2024-07-15. Review status: criteria provided, single submitter. Criteria: ACMG Guidelines, 2015. Collection method: clinical testing. Allele origin: germline. Affected: no. Observed: 82 variant alleles.
Comment: This variant is classified as Benign based on local population frequency. This variant was detected in 88% of patients studied in a panel designed for Epileptic and Developmental Encephalopathy and Progressive Myoclonus Epilepsy. Number of patients: 82. Only high quality variants are reported.

GeneDx
Classification: Benign. Last evaluated: 2016-06-06. Review status: criteria provided, single submitter. Criteria: GeneDx Variant Classification (06012015). Collection method: clinical testing. Allele origin: germline. Affected: yes.
Comment: This variant is considered likely benign or benign based on one or more of the following criteria: it is a conservative change, it occurs at a poorly conserved position in the protein, it is predicted to be benign by multiple in silico algorithms, and/or has population frequency not consistent with disease.

Breakthrough Genomics
Classification: Benign. Review status: criteria provided, single submitter. Criteria: ACMG Guidelines, 2015. Collection method: not provided. Allele origin: germline. Inheritance: Autosomal dominant inheritance. Affected: yes.

NM_001165963.4(SCN1A):c.965-21C>T

Gene: SCN1A (sodium voltage-gated channel alpha subunit 1; minus strand). Cytogenetic location: 2q24.3.
Variant type: single nucleotide variant.
Coding change: c.965-21C>T on transcript NM_001165963.4 (MANE Select); 21 bases into the intron before coding-DNA position 965, C replaced by T.
Molecular consequence: intron variant.
Genome position (GRCh38, 1-based): chr2:166,048,970, G>A on the plus strand (C>T on the coding strand, the complement: SCN1A is on the minus strand). VCF-style: chr2-166048970-G-A. GRCh37 (hg19) VCF-style: chr2-166905480-G-A.
Other names: c.965-21C>T (NM_001353949.2, NM_001353958.2, NM_001353950.2 and 10 more transcripts); c.-1461-21C>T (NM_001353961.2).
Identifiers: ClinVar variation 378510 (VCV000378510.4), dbSNP rs994399, ClinGen allele CA1943392.